The following is an entry in ClinVar:

ClinVar aggregate classification (germline): Pathogenic (0 of 4 stars; one submission).

Submission:

GenMed Metabolism Lab
Classification: Pathogenic. Review status: no assertion criteria provided. Collection method: not provided. Allele origin: unknown.
Comment: p.Ile172Met, Neonatal
ClinVar note: Converted during submission from pathogenic to Pathogenic.

NM_000531.6(OTC):c.516C>G (p.Ile172Met)

Gene: OTC (ornithine transcarbamylase; plus strand). Cytogenetic location: Xp11.4.
Variant type: single nucleotide variant.
Coding change: c.516C>G on transcript NM_000531.6 (MANE Select); coding-DNA position 516, C replaced by G.
Protein change: p.Ile172Met; replaces isoleucine 172 with methionine.
Molecular consequence: missense variant.
Genome position (GRCh38, 1-based): chrX:38,401,404, C>G. VCF-style: chrX-38401404-C-G. GRCh37 (hg19) VCF-style: chrX-38260657-C-G.
Other names: short protein forms I172M.
Identifiers: ClinVar variation 97230 (VCV000097230.2), dbSNP rs72556280, ClinGen allele CA224658.
Genomic context (GRCh38, chrX:38,401,404, plus strand): 5'-TAAAGAAGCATCCATCCCAATTATCAATGGGCTGTCAGATTTGTACCATCCTATCCAGAT[C>G]CTGGCTGATTACCTCACGCTCCAGGTTGGTTTATTTATTTGTCTTACAAAAGAGCAAAAT-3'
Protein context (NP_000522.3, residues 162-182): GLSDLYHPIQ[Ile172Met]LADYLTLQEH